The following is an entry in ClinVar:

ClinVar aggregate classification (germline): Uncertain significance (1 of 4 stars; one submission).

Submission:

Labcorp Genetics (formerly Invitae), Labcorp
Classification: Uncertain significance. Last evaluated: 2021-10-19. Review status: criteria provided, single submitter. Criteria: Invitae Variant Classification Sherloc (09022015). Collection method: clinical testing. Allele origin: germline.
Comment: In summary, the available evidence is currently insufficient to determine the role of this variant in disease. Therefore, it has been classified as a Variant of Uncertain Significance. This variant has not been reported in the literature in individuals affected with RASGRP1-related conditions. Algorithms developed to predict the effect of missense changes on protein structure and function are either unavailable or do not agree on the potential impact of this missense change (SIFT: "Deleterious"; PolyPhen-2: "Probably Damaging"; Align-GVGD: "Class C0"). This variant is not present in population databases (ExAC no frequency). This sequence change replaces leucine with histidine at codon 779 of the RASGRP1 protein (p.Leu779His). The leucine residue is highly conserved and there is a moderate physicochemical difference between leucine and histidine.

NM_005739.4(RASGRP1):c.2336T>A (p.Leu779His)

Gene: RASGRP1 (RAS guanyl releasing protein 1; minus strand). Cytogenetic location: 15q14.
Variant type: single nucleotide variant.
Coding change: c.2336T>A on transcript NM_005739.4 (MANE Select); coding-DNA position 2336, T replaced by A.
Protein change: p.Leu779His; replaces leucine 779 with histidine.
Molecular consequence: missense variant. On other transcripts: 3 prime UTR variant (1).
Genome position (GRCh38, 1-based): chr15:38,490,612, A>T on the plus strand (T>A on the coding strand, the complement: RASGRP1 is on the minus strand). VCF-style: chr15-38490612-A-T. GRCh37 (hg19) VCF-style: chr15-38782813-A-T.
Other names: c.2231T>A, p.Leu744His (NM_001128602.2); c.*51T>A (NM_001306086.2); short protein forms L779H, L744H.
Identifiers: ClinVar variation 1461199 (VCV001461199.6), dbSNP rs2141069782, ClinGen allele CA391660842.
Genomic context (GRCh38, chr15:38,490,612, plus strand): 5'-GGCTAAGAACAGTCACCCTGCTCCATTTGAGCTAAGACATGATTGCTTTTTTCAAGCTGG[A>T]GGGATTCTATTTTCTTCTGTGCATATTTCAGTTGGATCTTTAGGGCATCATTATCTGCTT-3'
Protein context (NP_005730.2, residues 769-789): LKYAQKKIES[Leu779His]QLEKSNHVLA